The following is an entry in ClinVar:

ClinVar aggregate classification (germline): Benign/Likely benign. Review status: criteria provided, multiple submitters, no conflicts (2 of 4 stars). 6 submissions from 6 submitters: Benign (1); Likely benign (3). 2 of the submissions do not count toward it. Last evaluated 2026-01-20.

Conditions:
Inborn genetic diseases. Identifiers: MedGen C0950123, MeSH D030342.
IDUA-related disorder. Also called: IDUA-related condition.
Mucopolysaccharidosis type 1. Also called: IDUA deficiency; MPS I; Mucopolysaccharidosis Type I. Identifiers: Orphanet 579, MedGen C0023786, MONDO:0001586.

Allele frequency attached by ClinVar (database versions not stated): TOPMed 0.00018; ESP Exome Variant Server 0.00025.
gnomAD v4.1: 187 of 1,512,936 alleles (0.012%); highest among the groups gnomAD compares: Middle Eastern, 0.052%; 1 homozygote.

Submissions (6):

Labcorp Genetics (formerly Invitae), Labcorp
Classification: Benign for Mucopolysaccharidosis type 1. Last evaluated: 2026-01-20. Review status: criteria provided, single submitter. Criteria: Invitae Variant Classification Sherloc (09022015). Collection method: clinical testing. Allele origin: germline.

PreventionGenetics, part of Exact Sciences
Classification: Likely benign for IDUA-related condition. Last evaluated: 2026-01-15. Review status: criteria provided, single submitter. Criteria: ACMG Guidelines, 2015. Collection method: clinical testing. Allele origin: germline.
Comment: This variant is classified as likely benign based on ACMG/AMP sequence variant interpretation guidelines (Richards et al. 2015 PMID: 25741868, with internal and published modifications).

Blueprint Genetics
Classification: Likely benign. Last evaluated: 2024-10-07. Review status: criteria provided, single submitter. Criteria: ACMG Guidelines, 2015. Collection method: clinical testing. Allele origin: germline.

Ambry Genetics
Classification: Likely benign for Inborn genetic diseases. Last evaluated: 2022-04-04. Review status: criteria provided, single submitter. Criteria: Ambry Variant Classification Scheme 2023. Collection method: clinical testing. Allele origin: germline.

Natera, Inc.
Classification: Benign for Mucopolysaccharidosis type I. Last evaluated: 2019-06-25. Review status: no assertion criteria provided. Collection method: clinical testing. Allele origin: germline. Not counted in ClinVar's aggregate classification.

Mayo Clinic Laboratories, Mayo Clinic
Classification: Likely benign. Last evaluated: 2017-04-25. Review status: no assertion criteria provided. Collection method: clinical testing. Allele origin: unknown. Not counted in ClinVar's aggregate classification.

NM_000203.5(IDUA):c.1479C>A (p.Pro493=)

Gene: IDUA (alpha-L-iduronidase; plus strand). Cytogenetic location: 4p16.3.
Variant type: single nucleotide variant.
Coding change: c.1479C>A on transcript NM_000203.5 (MANE Select); coding-DNA position 1479, C replaced by A.
Protein change: p.Pro493=; no amino-acid change (proline 493 retained).
Molecular consequence: synonymous variant. On other transcripts: non-coding transcript variant (1).
Genome position (GRCh38, 1-based): chr4:1,003,112, C>A. VCF-style: chr4-1003112-C-A. GRCh37 (hg19) VCF-style: chr4-996900-C-A.
Other names: c.1083C>A, p.Pro361= (NM_001363576.1).
Identifiers: ClinVar variation 350231 (VCV000350231.29), dbSNP rs370394527, ClinGen allele CA2802271.